The following is an entry in ClinVar:

NM_001127496.3(SPRY4):c.805C>T (p.Arg269Cys)

Gene: SPRY4 (sprouty RTK signaling antagonist 4; minus strand). Cytogenetic location: 5q31.3.
Variant type: single nucleotide variant.
Coding change: c.805C>T on transcript NM_001127496.3 (MANE Select); coding-DNA position 805, C replaced by T.
Protein change: p.Arg269Cys; replaces arginine 269 with cysteine.
Molecular consequence: missense variant.
Genome position (GRCh38, 1-based): chr5:142,314,304, G>A on the plus strand (C>T on the coding strand, the complement: SPRY4 is on the minus strand). VCF-style: chr5-142314304-G-A. GRCh37 (hg19) VCF-style: chr5-141693869-G-A.
Other names: c.805C>T, p.Arg269Cys (NM_001293289.3, NM_001293290.3); c.874C>T, p.Arg292Cys (NM_030964.5); short protein forms R269C, R292C.
Identifiers: ClinVar variation 3771371 (VCV003771371.13).
Genomic context (GRCh38, chr5:142,314,304, plus strand): 5'-CCCCGCTGGCTGCTTTGCAGATGACGCTGTTCGTGTGCTTGCAGCGGCAACCAGGGCGGC[G>A]CAGACGGTCGTAGCCACGCTGGGCCAGCTTCACGCAGCCGGTGGCAGGCAGGTAGCAGAG-3'
Protein context (NP_001120968.1, residues 259-279): KLAQRGYDRL[Arg269Cys]RPGCRCKHTN

ClinVar aggregate classification (germline): Likely benign (1 of 4 stars; one submission).

gnomAD v4.1: 40 of 1,613,736 alleles (0.0025%); highest among the groups gnomAD compares: Middle Eastern, 0.033%; 1 homozygote.

Submission:

CeGaT Center for Human Genetics Tuebingen
Classification: Likely benign. Last evaluated: 2024-12-01. Review status: criteria provided, single submitter. Criteria: CeGaT Center For Human Genetics Tuebingen Variant Classification Criteria Version 2. Collection method: clinical testing. Allele origin: germline. Affected: yes. Observed: 1 variant allele.
Comment: SPRY4: BP4